The following is an entry in ClinVar:

ClinVar aggregate classification (germline): Uncertain significance (1 of 4 stars; one submission).

Conditions:
Sotos syndrome (SOTOS). Also called: Distinctive facial appearance, overgrowth in childhood, and learning disabilities or delayed development; CHROMOSOME 5q35 DELETION SYNDROME; CEREBRAL GIGANTISM; SOTOS SYNDROME 1; Sotos' syndrome. Identifiers: Orphanet 821, MedGen C0175695, MONDO:0019349, OMIM 117550.

gnomAD v4.1: 1 of 1,614,088 alleles (0.000062%); highest among the groups gnomAD compares: African/African-American, 0.0013%; no homozygotes.

Submission:

OLLIN Analises Genomicas, OLLIN
Classification: Uncertain significance for Sotos syndrome. Last evaluated: 2026-08-06. Review status: criteria provided, single submitter. Criteria: ACMG Guidelines 2015 PMID 25741868. Collection method: clinical testing. Allele origin: germline. Inheritance: Autosomal dominant inheritance.
Comment: This missense variant, located in exon 18 (of 23), has been observed in gnomAD with an allele frequency of 0.000062%, but has not been reported in ClinVar or identified in the literature. In silico analysis predicts that this variant has a tolerated effect. This variant is located in a region considered to be a mutational hotspot. This gene is constrained for missense variation. According to the currently available evidence, this variant has been classified as uncertain significance (PM1, PP2, BP4).

NM_022455.5(NSD1):c.5767A>G (p.Thr1923Ala)

Gene: NSD1 (nuclear receptor binding SET domain protein 1; plus strand). Cytogenetic location: 5q35.3.
Variant type: single nucleotide variant.
Coding change: c.5767A>G on transcript NM_022455.5 (MANE Select); coding-DNA position 5767, A replaced by G.
Protein change: p.Thr1923Ala; replaces threonine 1923 with alanine.
Molecular consequence: missense variant.
Genome position (GRCh38, 1-based): chr5:177,280,709, A>G. VCF-style: chr5-177280709-A-G. GRCh37 (hg19) VCF-style: chr5-176707710-A-G.
Other names: c.4894A>G, p.Thr1632Ala (NM_001365684.2, NM_001409308.1, NM_001409309.1 and 1 more transcripts); c.5767A>G, p.Thr1923Ala (NM_001409301.1, NM_001409302.1, NM_001409303.1); c.5347A>G, p.Thr1783Ala (NM_001409304.1); c.5014A>G, p.Thr1672Ala (NM_001409305.1); c.5005A>G, p.Thr1669Ala (NM_001409306.1, NM_001409307.1); short protein forms T1632A, T1669A, T1923A, T1783A, T1672A.
Identifiers: ClinVar variation 5003057 (VCV005003057.1).